The following is an entry in ClinVar:

NM_173551.5(ANKS6):c.1430G>A (p.Arg477His)

Gene: ANKS6 (ankyrin repeat and sterile alpha motif domain containing 6; minus strand). Cytogenetic location: 9q22.33.
Variant type: single nucleotide variant.
Coding change: c.1430G>A on transcript NM_173551.5 (MANE Select); coding-DNA position 1430, G replaced by A.
Protein change: p.Arg477His; replaces arginine 477 with histidine.
Molecular consequence: missense variant.
Genome position (GRCh38, 1-based): chr9:98,778,363, C>T on the plus strand (G>A on the coding strand, the complement: ANKS6 is on the minus strand). VCF-style: chr9-98778363-C-T. GRCh37 (hg19) VCF-style: chr9-101540645-C-T.
Other names: c.1430G>A (NM_173551.3); short protein forms R477H.
Identifiers: ClinVar variation 1363947 (VCV001363947.9), dbSNP rs368551263, ClinGen allele CA5153496.
Genomic context (GRCh38, chr9:98,778,363, plus strand): 5'-GAGTCCAGAGCTGGCTCAGGCTCGTCAGAGAAAGGCAAAGGCTGGTTGCTGGACAGCCCA[C>T]GGGGCAGCGTCTGCATCAGTTTGAGCTTTCGGAACCGATTGGACATTCGGTTCCACCAGG-3'
Protein context (NP_775822.3, residues 467-487): RKLKLMQTLP[Arg477His]GLSSNQPLPF

ClinVar aggregate classification (germline): Uncertain significance. Review status: criteria provided, multiple submitters, no conflicts (2 of 4 stars). 4 submissions from 4 submitters: Uncertain significance (4). Last evaluated 2025-04-16.

Conditions:
Inborn genetic diseases. Identifiers: MedGen C0950123, MeSH D030342.
Nephronophthisis 16 (NPHP16). Identifiers: Orphanet 655, MedGen C3809320, MONDO:0014158, OMIM 615382.

Allele frequency attached by ClinVar (database versions not stated): gnomAD exomes 0.00003 and 0.00004; ExAC 0.00003; ESP Exome Variant Server 0.00008; TOPMed 0.00012.
gnomAD v4.1: 70 of 1,614,022 alleles (0.0043%); highest among the groups gnomAD compares: African/African-American, 0.032%; no homozygotes.

Submissions (4):

Ambry Genetics
Classification: Uncertain significance for Inborn genetic diseases. Last evaluated: 2025-04-16. Review status: criteria provided, single submitter. Criteria: Ambry Variant Classification Scheme 2023. Collection method: clinical testing. Allele origin: germline.

Fulgent Genetics
Classification: Uncertain significance for Nephronophthisis 16. Last evaluated: 2024-02-15. Review status: criteria provided, single submitter. Criteria: ACMG Guidelines, 2015. Collection method: clinical testing. Allele origin: germline.

Labcorp Genetics (formerly Invitae), Labcorp
Classification: Uncertain significance for Nephronophthisis 16. Last evaluated: 2021-12-01. Review status: criteria provided, single submitter. Criteria: Invitae Variant Classification Sherloc (09022015). Collection method: clinical testing. Allele origin: germline.
Comment: Algorithms developed to predict the effect of missense changes on protein structure and function (SIFT, PolyPhen-2, Align-GVGD) all suggest that this variant is likely to be tolerated. In summary, the available evidence is currently insufficient to determine the role of this variant in disease. Therefore, it has been classified as a Variant of Uncertain Significance. This variant has not been reported in the literature in individuals affected with ANKS6-related conditions. This variant is present in population databases (rs368551263, gnomAD 0.04%). This sequence change replaces arginine, which is basic and polar, with histidine, which is basic and polar, at codon 477 of the ANKS6 protein (p.Arg477His).

Breakthrough Genomics
Classification: Uncertain significance. Review status: criteria provided, single submitter. Criteria: ACMG Guidelines, 2015. Collection method: not provided. Allele origin: germline. Inheritance: Autosomal recessive inheritance. Affected: yes.